The following is an entry in ClinVar:

ClinVar aggregate classification (germline): Uncertain significance (1 of 4 stars; one submission).

gnomAD v4.1: 2 of 1,612,412 alleles (0.00012%); highest among the groups gnomAD compares: Non-Finnish European, 0.00017%; no homozygotes.

Submission:

Labcorp Genetics (formerly Invitae), Labcorp
Classification: Uncertain significance. Last evaluated: 2025-05-19. Review status: criteria provided, single submitter. Criteria: Invitae Variant Classification Sherloc (09022015). Collection method: clinical testing. Allele origin: germline.
Comment: This sequence change replaces asparagine, which is neutral and polar, with serine, which is neutral and polar, at codon 18 of the ITGAM protein (p.Asn18Ser). This variant is not present in population databases (gnomAD no frequency). This variant has not been reported in the literature in individuals affected with ITGAM-related conditions. An algorithm developed to predict the effect of missense changes on protein structure and function (PolyPhen-2) suggests that this variant is likely to be tolerated. In summary, the available evidence is currently insufficient to determine the role of this variant in disease. Therefore, it has been classified as a Variant of Uncertain Significance.

NM_000632.4(ITGAM):c.53A>G (p.Asn18Ser)

Gene: ITGAM (integrin subunit alpha M; plus strand). Cytogenetic location: 16p11.2.
Variant type: single nucleotide variant.
Coding change: c.53A>G on transcript NM_000632.4 (MANE Select); coding-DNA position 53, A replaced by G.
Protein change: p.Asn18Ser; replaces asparagine 18 with serine.
Molecular consequence: missense variant.
Genome position (GRCh38, 1-based): chr16:31,261,716, A>G. VCF-style: chr16-31261716-A-G. GRCh37 (hg19) VCF-style: chr16-31273037-A-G.
Other names: c.53A>G, p.Asn18Ser (NM_001145808.2); short protein forms N18S.
Identifiers: ClinVar variation 4752165 (VCV004752165.1).